The following is an entry in ClinVar:

NM_000059.4(BRCA2):c.4960T>G (p.Cys1654Gly)

Gene: BRCA2 (BRCA2 DNA repair associated; plus strand). Cytogenetic location: 13q13.1.
Variant type: single nucleotide variant.
Coding change: c.4960T>G on transcript NM_000059.4 (MANE Select); coding-DNA position 4960, T replaced by G.
Protein change: p.Cys1654Gly; replaces cysteine 1654 with glycine.
Molecular consequence: missense variant.
Genome position (GRCh38, 1-based): chr13:32,339,315, T>G. VCF-style: chr13-32339315-T-G. GRCh37 (hg19) VCF-style: chr13-32913452-T-G.
Other names: short protein forms C1654G.
Identifiers: ClinVar variation 231191 (VCV000231191.19), dbSNP rs876659012, ClinGen allele CA10579640.
Genomic context (GRCh38, chr13:32,339,315, plus strand): 5'-TTTTTGAAAGTTAAAGTACATGAAAATGTAGAAAAAGAAACAGCAAAAAGTCCTGCAACT[T>G]GTTACACAAATCAGTCCCCTTATTCAGTCATTGAAAATTCAGCCTTAGCTTTTTACACAA-3'
Protein context (NP_000050.3, residues 1644-1664): EKETAKSPAT[Cys1654Gly]YTNQSPYSVI

ClinVar aggregate classification (germline): Conflicting classifications of pathogenicity. Review status: criteria provided, conflicting classifications (1 of 4 stars). 5 submissions from 5 submitters: Uncertain significance (4); Likely benign (1). Last evaluated 2025-12-21.

Conditions:
Hereditary cancer-predisposing syndrome. Also called: Tumor predisposition; Hereditary neoplastic syndrome; Hereditary Cancer Syndrome; Neoplastic Syndromes, Hereditary. Identifiers: Orphanet 140162, MedGen C0027672, MeSH D009386, MONDO:0015356.
Hereditary breast ovarian cancer syndrome. Also called: Hereditary breast and ovarian cancer; Breast and ovarian cancer; BRCA1- and BRCA2-Associated Hereditary Breast and Ovarian Cancer; Hereditary breast and/or ovarian cancer syndrome; Hereditary breast and ovarian cancer syndrome; Hereditary breast and ovarian cancer syndrome (HBOC). Identifiers: Orphanet 145, MedGen C0677776, MeSH D061325, MONDO:0003582. Disease mechanism: loss of function.
Breast-ovarian cancer, familial, susceptibility to, 2 (BROVCA2). Also called: BRCA2 Hereditary Breast and Ovarian Cancer. Identifiers: Orphanet 145, MedGen C2675520, MONDO:0012933, OMIM 612555. Disease mechanism: loss of function.

Allele frequency attached by ClinVar (database versions not stated): gnomAD exomes below 0.00001.
gnomAD v4.1: 1 of 1,602,764 alleles (0.000062%); highest among the groups gnomAD compares: Non-Finnish European, 0.000085%; no homozygotes.

Submissions (5):

Ambry Genetics
Classification: Uncertain significance for Hereditary cancer-predisposing syndrome. Last evaluated: 2025-12-21. Review status: criteria provided, single submitter. Criteria: Ambry Variant Classification Scheme 2023. Collection method: clinical testing. Allele origin: germline.
Comment: The p.C1654G variant (also known as c.4960T>G and 5188T>G), located in coding exon 10 of the BRCA2 gene, results from a T to G substitution at nucleotide position 4960. The cysteine at codon 1654 is replaced by glycine, an amino acid with highly dissimilar properties. This amino acid position is not well conserved in available vertebrate species. In addition, this alteration is predicted to be tolerated by in silico analysis. Since supporting evidence is limited at this time, the clinical significance of this alteration remains unclear.

Color Diagnostics, LLC DBA Color Health
Classification: Uncertain significance for Hereditary cancer-predisposing syndrome. Last evaluated: 2025-09-30. Review status: criteria provided, single submitter. Criteria: ACMG Guidelines, 2015. Collection method: clinical testing. Allele origin: germline.
Comment: This missense variant replaces cysteine with glycine at codon 1654 of the BRCA2 protein. Computational prediction suggests that this variant may not impact protein structure and function. To our knowledge, functional studies have not been reported for this variant. This variant has been reported in an individual affected with breast cancer (PMID: 34178674). This variant has been detected in a breast cancer case-control meta-analysis in 0/60466 cases and 1/53461 unaffected individuals (PMID: 33471991Leiden Open Variation Database DB-ID BRCA2_008276). Multifactorial analysis on clinical data has reached a combined likelihood ratio (LR) of 2.191 from published LR for 1 carrier (PMID: 31853058). This variant has not been identified in the general population by the Genome Aggregation Database (gnomAD). The available evidence is insufficient to determine the role of this variant in disease conclusively. Therefore, this variant is classified as a Variant of Uncertain Significance.

Labcorp Genetics (formerly Invitae), Labcorp
Classification: Uncertain significance for Hereditary breast ovarian cancer syndrome. Last evaluated: 2024-05-07. Review status: criteria provided, single submitter. Criteria: Invitae Variant Classification Sherloc (09022015). Collection method: clinical testing. Allele origin: germline.
Comment: This sequence change replaces cysteine, which is neutral and slightly polar, with glycine, which is neutral and non-polar, at codon 1654 of the BRCA2 protein (p.Cys1654Gly). This variant is not present in population databases (gnomAD no frequency). This missense change has been observed in individual(s) with breast and/or ovarian cancer (PMID: 34178674). ClinVar contains an entry for this variant (Variation ID: 231191). Advanced modeling of protein sequence and biophysical properties (such as structural, functional, and spatial information, amino acid conservation, physicochemical variation, residue mobility, and thermodynamic stability) performed at Invitae indicates that this missense variant is not expected to disrupt BRCA2 protein function with a negative predictive value of 95%. In summary, the available evidence is currently insufficient to determine the role of this variant in disease. Therefore, it has been classified as a Variant of Uncertain Significance.

All of Us Research Program, National Institutes of Health
Classification: Uncertain significance for Breast-ovarian cancer, familial, susceptibility to, 2. Last evaluated: 2023-08-08. Review status: criteria provided, single submitter. Criteria: ACMG Guidelines, 2015. Collection method: clinical testing. Allele origin: germline. Inheritance: Autosomal dominant inheritance. Observed: 1 variant allele, 1 heterozygote.
Comment: This missense variant replaces cysteine with glycine at codon 1654 of the BRCA2 protein. Computational prediction suggests that this variant may not impact protein structure and function (internally defined REVEL score threshold <= 0.5, PMID: 27666373). To our knowledge, functional studies have not been reported for this variant. This variant has been reported in an individual affected with breast cancer (PMID: 34178674) and in an unaffected individual (PMID: 33471991). This variant has not been identified in the general population by the Genome Aggregation Database (gnomAD). The available evidence is insufficient to determine the role of this variant in disease conclusively. Therefore, this variant is classified as a Variant of Uncertain Significance.

This study involves interpretation of variants in research participants for the purpose of population health screening. Participant phenotype was not available at the time of variant classification. Additional details can be found in publication PMID: 35346344, PMCID: PMC8962531

University of Washington Department of Laboratory Medicine, University of Washington
Classification: Likely benign for Hereditary cancer-predisposing syndrome. Last evaluated: 2023-03-23. Review status: criteria provided, single submitter. Criteria: Dines et al. (Genet Med. 2020). Collection method: curation. Allele origin: germline.
Comment: Missense variant in a coldspot region where missense variants are very unlikely to be pathogenic (PMID:31911673).

BRCA2 exon 11 coldspot. Reclassification based on statistical prior probability.

Literature cited by the submitters: PubMed 31853058 (cited by Color Diagnostics, LLC DBA Color Health); PubMed 33471991 (cited by Color Diagnostics, LLC DBA Color Health and All of Us Research Program, National Institutes of Health); PubMed 34178674 (cited by 3 submitters).